The following is an entry in ClinVar:

NM_000132.4(F8):c.984T>G (p.Phe328Leu)

Gene: F8 (coagulation factor VIII; minus strand). Cytogenetic location: Xq28.
Variant type: single nucleotide variant.
Coding change: c.984T>G on transcript NM_000132.4 (MANE Select); coding-DNA position 984, T replaced by G.
Protein change: p.Phe328Leu; replaces phenylalanine 328 with leucine.
Molecular consequence: missense variant.
Genome position (GRCh38, 1-based): chrX:154,969,356, A>C on the plus strand (T>G on the coding strand, the complement: F8 is on the minus strand). VCF-style: chrX-154969356-A-C. GRCh37 (hg19) VCF-style: chrX-154197631-A-C.
Other names: NM_000132.4(F8):c.984T>G; short protein forms F328L.
Identifiers: ClinVar variation 666959 (VCV000666959.10), dbSNP rs782668199, ClinGen allele CA414917660.
Genomic context (GRCh38, chrX:154,969,356, plus strand): 5'-TTTATAATATTCATTTTAAAGATCCAAGATATTACCATGTTGGTGGGAAGAGATATGACA[A>C]AACAGTAGAAACTGTCCAAGGTCCATCAAGAGTGTTTGAGCAGTAAGGAAAGTTATTGGC-3'
Protein context (NP_000123.1, residues 318-338): LLMDLGQFLL[Phe328Leu]CHISSHQHDG

ClinVar aggregate classification (germline): Likely pathogenic. Review status: reviewed by expert panel (3 of 4 stars). 5 submissions from 5 submitters: Likely pathogenic (1). 4 of the submissions do not count toward it. Last evaluated 2026-05-01.

Conditions:
Hereditary factor VIII deficiency disease (HEMA). Also called: AUTOSOMAL HEMOPHILIA A; Hemophilia A; Hemophilia A, congenital; HEM A; Factor 8 deficiency, congenital; HEMOPHILIA, CLASSIC. Identifiers: Orphanet 98878, MedGen C0019069, MONDO:0010602, OMIM 306700.

Allele frequency attached by ClinVar (database versions not stated): TOPMed 0.00001.
gnomAD v4.1: 1 of 1,211,017 alleles (0.000083%); highest among the groups gnomAD compares: South Asian, 0.0018%; no homozygotes.

Submissions (5):

ClinGen Coagulation Factor Deficiency Variant Curation Expert Panel, Clingen
Classification: Likely pathogenic for Hereditary factor VIII deficiency disease. Last evaluated: 2026-05-01. Review status: reviewed by expert panel. Criteria: ClinGen CoagFactor ACMG Specifications F8 V2.0.0. Collection method: curation. Allele origin: germline. Inheritance: X-linked inheritance.
Comment: The NM_000132.4(F8):c.984T>G; p.Phe328Leu variant is a missense variant in F8 gene. This variant is absent in males in gnomAD v4.1.0 (PM2_Supporting) and is predicted to have a deleterious effect (REVEL score of 0.824; PP3), which is greater than the threshold for PP3 (>0.6). This variant has been observed in at least 5 patients in the literature (PMID:25550078, 2 points PS4; PMID:18691168, 1 point PS4; PMID:23711294, 1 point PS4; PMID:29296726, 2 points PP4; PP4_Moderate) and 2 patients from an internal laboratory cohort with mild hemophilia A with type 2N von Willebrand disease ruled out (2 points PS4, total 5 points PS4, PS4). In summary, this variant meets the criteria to be classified as likely pathogenic for hemophilia A. ACMG/AMP criteria applied, as specified by the Coagulation Factor Deficiency Variant Curation Expert Panel (specifications version 2.0.0) for F8: PS4, PP4_Moderate, PM2_Supporting, PP3.

Women's Health and Genetics/Laboratory Corporation of America, LabCorp
Classification: Likely pathogenic for Hereditary factor VIII deficiency disease. Last evaluated: 2025-09-11. Review status: criteria provided, single submitter. Criteria: LabCorp Variant Classification Summary - May 2015. Collection method: clinical testing. Allele origin: germline. Not counted in ClinVar's aggregate classification.
Comment: Variant summary: F8 c.984T>G (p.Phe328Leu) results in a non-conservative amino acid change in the encoded protein sequence. Algorithms developed to predict the effect of missense changes on protein structure and function all suggest that this variant is likely to be disruptive. The variant was absent in 183036 control chromosomes. c.984T>G has been reported in the literature in individuals affected with Factor VIII Deficiency (Hemophilia A) (e.g. Nair_2015, Pinto_2016, Green_2008, Nance_2013). These data indicate that the variant is likely to be associated with disease. This variant is also known as F309L. The following publications have been ascertained in the context of this evaluation (PMID: 18691168, 25550078, 23711294, 26897466). ClinVar contains an entry for this variant (Variation ID: 666959). Based on the evidence outlined above, the variant was classified as likely pathogenic.

Mayo Clinic Laboratories, Mayo Clinic
Classification: Uncertain significance. Last evaluated: 2024-07-16. Review status: criteria provided, single submitter. Criteria: ACMG Guidelines, 2015. Collection method: clinical testing. Allele origin: germline. Observed: 1 variant allele. Not counted in ClinVar's aggregate classification.
Comment: PP3, PM1_supporting, PM2, PS4_moderate

Genetics and Molecular Pathology, SA Pathology
Classification: Likely pathogenic for Hereditary factor VIII deficiency disease. Last evaluated: 2021-01-15. Review status: criteria provided, single submitter. Criteria: ACMG Guidelines, 2015. Collection method: clinical testing. Allele origin: germline. Inheritance: X-linked recessive inheritance. Not counted in ClinVar's aggregate classification.

Laboratory for Molecular Medicine, Mass General Brigham Personalized Medicine
Classification: Likely pathogenic for Hereditary factor VIII deficiency disease. Last evaluated: 2017-05-04. Review status: criteria provided, single submitter. Criteria: LMM Criteria. Collection method: clinical testing. Allele origin: germline. Inheritance: X-linked inheritance. Observed: 1 variant allele. Not counted in ClinVar's aggregate classification.
Comment: The p.Phe328Leu (NM_000132.3 c.984T>G) (legacy name p.Phe309Leu) variant in F8 h as been reported in 2 (presumably hemizygous male) individuals and 2 known hemiz ygous males with Hemophilia A and related diseases (prolonged bleed after injury ) (Green 2008, Nair 2010, Pinto 2016), and was absent from large population stud ies. Computational prediction tools and conservation analysis suggest that the p .Phe328Leu variant may impact the protein, though this information is not predic tive enough to determine pathogenicity. In summary, although additional studies are required to fully establish its clinical significance, the p.Phe328Leu varia nt is likely pathogenic based on its occurrence in multiple affected individuals and absence from controls.

Literature cited by the submitters: PubMed 23711294 (cited by Women's Health and Genetics/Laboratory Corporation of America, LabCorp and Mayo Clinic Laboratories, Mayo Clinic); PubMed 18691168 (cited by 3 submitters); PubMed 26897466 (cited by 3 submitters); PubMed 25550078 (cited by Women's Health and Genetics/Laboratory Corporation of America, LabCorp and Mayo Clinic Laboratories, Mayo Clinic); PubMed 20800587 (cited by Mayo Clinic Laboratories, Mayo Clinic and Laboratory for Molecular Medicine, Mass General Brigham Personalized Medicine); PubMed 29296726 (cited by Mayo Clinic Laboratories, Mayo Clinic); PubMed 30609409 (cited by Mayo Clinic Laboratories, Mayo Clinic); PubMed 31267011 (cited by Mayo Clinic Laboratories, Mayo Clinic); PubMed 36823319 (cited by Mayo Clinic Laboratories, Mayo Clinic).